The following is an entry in ClinVar:

ClinVar aggregate classification (germline): Pathogenic/Likely pathogenic. Review status: criteria provided, multiple submitters, no conflicts (2 of 4 stars). 4 submissions from 4 submitters: Pathogenic (2); Likely pathogenic (2). Last evaluated 2026-05-13.

Conditions:
Renal cysts and diabetes syndrome (RCAD). Also called: Familial hypoplastic, glomerulocystic kidney; MATURITY-ONSET DIABETES OF THE YOUNG, TYPE 5. Identifiers: Orphanet 93111, MedGen C0431693, MONDO:0007669, OMIM 137920.
HNF1B-related disorder. Also called: HNF1B-related condition; HNF1B-related disorders.

Allele frequency attached by ClinVar (database versions not stated): gnomAD exomes below 0.00001.
gnomAD v4.1: 1 of 1,614,146 alleles (0.000062%); highest among the groups gnomAD compares: Non-Finnish European, 0.000085%; no homozygotes.

Submissions (4):

PreventionGenetics, part of Exact Sciences
Classification: Likely pathogenic for HNF1B-related condition. Last evaluated: 2026-05-13. Review status: criteria provided, single submitter. Criteria: ACMG Guidelines, 2015. Collection method: clinical testing. Allele origin: germline.
Comment: The HNF1B c.493C>T variant is predicted to result in the amino acid substitution p.Arg165Cys. This variant has been reported in a fetus with bilateral dilated pelvis and tubular ectasias of the epididymis (Duval et al. 2016. PubMed ID: 27297286). This variant has also been reported in patients with Maturity Onset Diabetes of the Young (MODY) and kidney abnormalities (Supplementary Table S1, Dubois-Laforgue et al. 2017. PubMed ID: 28420700; Amaral et al. 2023. PubMed ID: 36793123). This variant has not been reported in a large population database, indicating this variant is rare. Alternative variants at the same amino acid (p.Arg165Gly, p.Arg165His and p.Arg165Pro) have been reported in patients with MODY and renal disease (Human Gene Mutation Database). This variant is interpreted as likely pathogenic.

Mayo Clinic Laboratories, Mayo Clinic
Classification: Likely pathogenic. Last evaluated: 2024-07-30. Review status: criteria provided, single submitter. Criteria: ACMG Guidelines, 2015. Collection method: clinical testing. Allele origin: germline. Observed: 1 variant allele.

CeGaT Center for Human Genetics Tuebingen
Classification: Pathogenic. Last evaluated: 2024-01-01. Review status: criteria provided, single submitter. Criteria: CeGaT Center For Human Genetics Tuebingen Variant Classification Criteria Version 2. Collection method: clinical testing. Allele origin: germline. Affected: yes. Observed: 1 variant allele.
Comment: HNF1B: PM1, PM2, PM5, PS4:Moderate, PP2, PP3

Institute of Human Genetics, FAU Erlangen, Friedrich-Alexander-Universität Erlangen-Nürnberg
Classification: Pathogenic for Renal cysts and diabetes syndrome. Last evaluated: 2019-07-06. Review status: criteria provided, single submitter. Criteria: ACMG Guidelines, 2015. Collection method: literature only. Allele origin: germline. Affected: yes.
Comment: This variant and it's classification has been reported by Vasileiou et al. 2019; DOI:10.1101/576918. The variants has previously been reported in PMID:28420700; DOI:10.1002/pdi.2145; PMID:27297286 as "c.493C>T,p.Arg165Cys; c.493C>T; p.Arg165Cys; c.493C > T, p.Arg165Cys Exon 2 missense" with clinical significance Pathogenic. It has been re-classified using InterVar and manual curation as Pathogenic based on PS4 PM1 PM2 PM5 PP3 PP5.

Literature cited by the submitters: PubMed 27297286 (cited by Mayo Clinic Laboratories, Mayo Clinic and Institute of Human Genetics, FAU Erlangen, Friedrich-Alexander-Universität Erlangen-Nürnberg); PubMed 28420700 (cited by Mayo Clinic Laboratories, Mayo Clinic and Institute of Human Genetics, FAU Erlangen, Friedrich-Alexander-Universität Erlangen-Nürnberg); PubMed 36208030 (cited by Mayo Clinic Laboratories, Mayo Clinic); PubMed 36793123 (cited by Mayo Clinic Laboratories, Mayo Clinic); DOI 10.1002/pdi.2145 (cited by Institute of Human Genetics, FAU Erlangen, Friedrich-Alexander-Universität Erlangen-Nürnberg); DOI 10.1101/576918 (cited by Institute of Human Genetics, FAU Erlangen, Friedrich-Alexander-Universität Erlangen-Nürnberg).

NM_000458.4(HNF1B):c.493C>T (p.Arg165Cys)

Gene: HNF1B (HNF1 homeobox B; minus strand). Cytogenetic location: 17q12.
Variant type: single nucleotide variant.
Coding change: c.493C>T on transcript NM_000458.4 (MANE Select); coding-DNA position 493, C replaced by T.
Protein change: p.Arg165Cys; replaces arginine 165 with cysteine.
Molecular consequence: missense variant.
Genome position (GRCh38, 1-based): chr17:37,739,491, G>A on the plus strand (C>T on the coding strand, the complement: HNF1B is on the minus strand). VCF-style: chr17-37739491-G-A. GRCh37 (hg19) VCF-style: chr17-36099482-G-A.
Other names: p.Arg165Cys; c.493C>T, p.Arg165Cys (NM_001165923.4, NM_001304286.2); short protein forms R165C.
Identifiers: ClinVar variation 635684 (VCV000635684.26), dbSNP rs2511828535, ClinGen allele CA398751247.
Genomic context (GRCh38, chr17:37,739,491, plus strand): 5'-AACACTTACGTCGGAGGATCTCTCGTTGCTTTCTGACGTACCAGGTGTACAGAGCGGCAC[G>A]CTTCTGGGTCTTCATAGGGGTGCCCTTGTTGAGATGCTGGGAGAGGTGCGACTGGTTCAG-3'
Protein context (NP_000449.1, residues 155-175): NKGTPMKTQK[Arg165Cys]AALYTWYVRK